The following is an entry in ClinVar:

NM_002253.4(KDR):c.2615-23C>T

Gene: KDR (kinase insert domain receptor; minus strand). Cytogenetic location: 4q12.
Variant type: single nucleotide variant.
Coding change: c.2615-23C>T on transcript NM_002253.4 (MANE Select); 23 bases into the intron before coding-DNA position 2615, C replaced by T.
Molecular consequence: intron variant.
Genome position (GRCh38, 1-based): chr4:55,096,365, G>A on the plus strand (C>T on the coding strand, the complement: KDR is on the minus strand). VCF-style: chr4-55096365-G-A. GRCh37 (hg19) VCF-style: chr4-55962532-G-A.
Other names: KP761780.
Identifiers: ClinVar variation 204325 (VCV000204325.3), dbSNP rs778886056, ClinGen allele CA251248.

ClinVar aggregate classification (germline): Uncertain significance (0 of 4 stars; one submission).

Conditions:
Carcinoma of colon (CRC). Also called: Colonic carcinoma; Colon carcinoma. Identifiers: MedGen C0699790, MONDO:0002032.

Allele frequency attached by ClinVar (database versions not stated): gnomAD exomes below 0.00001; ExAC 0.00001.
gnomAD v4.1: 5 of 1,526,804 alleles (0.00033%); highest among the groups gnomAD compares: Non-Finnish European, 0.00045%; no homozygotes.

Submission:

Immunobiology Lab; University of Kashmir
Classification: Uncertain significance for Carcinoma of colon. Last evaluated: 2015-01-24. Review status: no assertion criteria provided. Collection method: case-control. Allele origin: somatic. Affected: yes. Study: Mutational Hotspot profiling of Tyrosine Kinase domain of VEGF receptors in Human colorectal tumors.
Comment: The variation(s) were confirmed by double pass sequencing of PCR products amplified from genomic DNA of colonic lesions fron colorectal patients